The following is an entry in ClinVar:

NM_001378328.1(CELSR1):c.7961T>C (p.Leu2654Pro)

Gene: CELSR1 (cadherin EGF LAG seven-pass G-type receptor 1; minus strand). Cytogenetic location: 22q13.31.
Variant type: single nucleotide variant.
Coding change: c.7961T>C on transcript NM_001378328.1 (MANE Select); coding-DNA position 7961, T replaced by C.
Protein change: p.Leu2654Pro; replaces leucine 2654 with proline.
Molecular consequence: missense variant.
Genome position (GRCh38, 1-based): chr22:46,367,847, A>G on the plus strand (T>C on the coding strand, the complement: CELSR1 is on the minus strand). VCF-style: chr22-46367847-A-G. GRCh37 (hg19) VCF-style: chr22-46763744-A-G.
Other names: c.7961T>C, p.Leu2654Pro (NM_014246.4); short protein forms L2654P.
Identifiers: ClinVar variation 2628390 (VCV002628390.1), dbSNP rs1004166177, ClinGen allele CA325140297.
Genomic context (GRCh38, chr22:46,367,847, plus strand): 5'-GCCAGCAGCCCCAGCAGCCAGGTGGCGCTGATGAGCAGCAGCAGGAGGAATGCGGTCCTC[A>G]GCAGGGAGCTGCGGGAGGGCAGGATCAGGCCTGTGCCCATCGCCACCACCTGCTCCCTTC-3'
Protein context (NP_001365257.1, residues 2644-2664): YYGKKGIVSL[Leu2654Pro]RTAFLLLLLI

ClinVar aggregate classification (germline): Uncertain significance (1 of 4 stars; one submission).

Conditions:
CELSR1-related disorder. Also called: CELSR1-related condition.

Allele frequency attached by ClinVar (database versions not stated): gnomAD 0.00001; TOPMed 0.00001.
gnomAD v4.1: 1 of 1,610,216 alleles (0.000062%); highest among the groups gnomAD compares: African/African-American, 0.0013%; no homozygotes.

Submission:

PreventionGenetics, part of Exact Sciences
Classification: Uncertain significance for CELSR1-related condition. Last evaluated: 2022-10-04. Review status: criteria provided, single submitter. Criteria: ACMG Guidelines, 2015. Collection method: clinical testing. Allele origin: germline.
Comment: The CELSR1 c.7961T>C variant is predicted to result in the amino acid substitution p.Leu2654Pro. To our knowledge, this variant has not been reported in the literature or in a large population database, indicating this variant is rare. At this time, the clinical significance of this variant is uncertain due to the absence of conclusive functional and genetic evidence.